The following is an entry in ClinVar:

NM_003803.4(MYOM1):c.2506+15C>G

Gene: MYOM1 (myomesin 1; minus strand). Cytogenetic location: 18p11.31.
Variant type: single nucleotide variant.
Coding change: c.2506+15C>G on transcript NM_003803.4 (MANE Select); 15 bases into the intron after coding-DNA position 2506, C replaced by G.
Molecular consequence: intron variant.
Genome position (GRCh38, 1-based): chr18:3,131,360, G>C on the plus strand (C>G on the coding strand, the complement: MYOM1 is on the minus strand). VCF-style: chr18-3131360-G-C. GRCh37 (hg19) VCF-style: chr18-3131358-G-C.
Other names: c.2506+15C>G (NM_019856.2).
Identifiers: ClinVar variation 505175 (VCV000505175.5), dbSNP rs1272570164, ClinGen allele CA628062230.

ClinVar aggregate classification (germline): Likely benign (1 of 4 stars; one submission).

Allele frequency attached by ClinVar (database versions not stated): gnomAD exomes below 0.00001.
gnomAD v4.1: 2 of 1,613,394 alleles (0.00012%); highest among the groups gnomAD compares: Non-Finnish European, 0.00017%; no homozygotes.

Submission:

Laboratory for Molecular Medicine, Mass General Brigham Personalized Medicine
Classification: Likely benign. Last evaluated: 2016-08-04. Review status: criteria provided, single submitter. Criteria: LMM Criteria. Collection method: clinical testing. Allele origin: germline. Observed: 1 variant allele.
Comment: c.2506+15C>G in intron 17 of MYOM1: This variant is not expected to have clinica l significance because it is not located within the splice consensus sequence.